The following is an entry in ClinVar:

ClinVar aggregate classification (germline): Pathogenic/Likely pathogenic. Review status: criteria provided, multiple submitters, no conflicts (2 of 4 stars). 5 submissions from 5 submitters: Pathogenic (4); Likely pathogenic (1). Last evaluated 2025-05-16.

Conditions:
Bardet-Biedl syndrome (BBS). Identifiers: Orphanet 110, MedGen C0752166, MONDO:0015229.
Bardet-Biedl syndrome 1 (BBS1). Identifiers: MedGen C2936862, MONDO:0008854, OMIM 209900. Disease mechanism: loss of function.
BBS1-related disorder. Also called: BBS1-related condition.

Submissions (5):

Myriad Genetics, Inc.
Classification: Likely pathogenic for Bardet-Biedl syndrome 1. Last evaluated: 2025-05-16. Review status: criteria provided, single submitter. Criteria: Myriad Autosomal Dominant, Autosomal Recessive and X-Linked Classification Criteria (2023). Collection method: clinical testing. Allele origin: unknown.
Comment: NM_024649.4(BBS1):c.724-8_726del11 is a variant in a canonical splice site classified as likely pathogenic in the context of Bardet-Biedl syndrome, BBS1-related. c.724-8_726del11 has been observed in a case with relevant disease (PMID: 20472660). Relevant functional assessments of this variant are not available in the literature. c.724-8_726del11 has not been observed in referenced population frequency databases. In summary, NM_024649.4(BBS1):c.724-8_726del11 is a variant in a canonical splice site in a gene where loss of function is a known mechanism of disease, is predicted to disrupt protein function, and has been observed more frequently in cases with the relevant disease than in healthy populations. Please note: this variant was assessed in the context of healthy population screening.

Labcorp Genetics (formerly Invitae), Labcorp
Classification: Pathogenic for Bardet-Biedl syndrome. Last evaluated: 2024-10-29. Review status: criteria provided, single submitter. Criteria: Invitae Variant Classification Sherloc (09022015). Collection method: clinical testing. Allele origin: germline.
Comment: This variant results in the deletion of part of exon 9 (c.724-8_726del) of the BBS1 gene. It is expected to disrupt RNA splicing. Variants that disrupt the donor or acceptor splice site typically lead to a loss of protein function (PMID: 16199547), and loss-of-function variants in BBS1 are known to be pathogenic (PMID: 12118255, 21520335, 27032803). This variant is not present in population databases (gnomAD no frequency). This variant has been observed in individuals with clinical features of Bardet-Biedl syndrome (internal data). ClinVar contains an entry for this variant (Variation ID: 865945). For these reasons, this variant has been classified as Pathogenic.

Fulgent Genetics
Classification: Pathogenic for Bardet-Biedl syndrome 1. Last evaluated: 2024-06-07. Review status: criteria provided, single submitter. Criteria: ACMG Guidelines, 2015. Collection method: clinical testing. Allele origin: germline.

PreventionGenetics, part of Exact Sciences
Classification: Pathogenic for BBS1-related condition. Last evaluated: 2023-02-09. Review status: criteria provided, single submitter. Criteria: ACMG Guidelines, 2015. Collection method: clinical testing. Allele origin: germline.
Comment: The BBS1 c.724-8_726del11 variant is predicted to result in a deletion affecting a canonical splice site. This variant deletes the canonical splice acceptor site; an alternative splice acceptor is created that is predicted to introduce a frameshift (p.?). This variant has been reported in the compound heterozygous state with a well-established pathogenic variant in an individual with Bardet-Biedl syndrome (Billingsley et al. 2010. PubMed ID: 20472660; Grudzinska Pechhacker et al. 2021. PubMed ID: 34940782). This variant has not been reported in a large population database, indicating it is rare. Frameshift variants in BBS1 are expected to be pathogenic. This variant is interpreted as pathogenic.

Blueprint Genetics
Classification: Pathogenic for BBS1-related disorders. Last evaluated: 2022-05-24. Review status: criteria provided, single submitter. Criteria: ACMG Guidelines, 2015. Collection method: clinical testing. Allele origin: germline. Affected: yes. Observed: 2 variant alleles.

Literature cited by the submitters: PubMed 20472660 (cited by Myriad Genetics, Inc.); PubMed 16199547 (cited by Labcorp Genetics (formerly Invitae), Labcorp); PubMed 12118255 (cited by Labcorp Genetics (formerly Invitae), Labcorp); PubMed 21520335 (cited by Labcorp Genetics (formerly Invitae), Labcorp); PubMed 27032803 (cited by Labcorp Genetics (formerly Invitae), Labcorp).

NM_024649.5(BBS1):c.724-8_726del

Genes: BBS1 (Bardet-Biedl syndrome 1; plus strand), ZDHHC24 (zDHHC palmitoyltransferase 24; minus strand). Cytogenetic location: 11q13.2.
Variant type: Deletion.
Coding change: c.724-8_726del on transcript NM_024649.5 (MANE Select); 8 bases into the intron before coding-DNA position 724 through coding-DNA position 726, 11 bases deleted (GTTTGCAGATG).
Molecular consequence: splice acceptor variant. On other transcripts: 3 prime UTR variant (1).
Genome position (GRCh38, 1-based): chr11:66,521,262-66,521,272, GTTTGCAGATG deleted. VCF-style (leftmost placement, unchanged base first): chr11-66521261-TGTTTGCAGATG-T. GRCh37 (hg19) VCF-style: chr11-66288732-TGTTTGCAGATG-T.
Other names: c.*216_*226del (NM_001348571.2); c.724-8_726del11 (NM_024649.4).
Identifiers: ClinVar variation 865945 (VCV000865945.12), dbSNP rs1856202628, ClinGen allele CA916083250.